The following is an entry in ClinVar:

ClinVar aggregate classification (germline): Pathogenic (1 of 4 stars; one submission).

Conditions:
Charcot-Marie-Tooth disease, type I (CMT1). Also called: Charcot-Marie-Tooth disease type 1; Charcot-Marie-Tooth, Type 1. Identifiers: Orphanet 65753, MedGen C0751036, MONDO:0019011.

Submission:

Labcorp Genetics (formerly Invitae), Labcorp
Classification: Pathogenic for Charcot-Marie-Tooth disease, type I. Last evaluated: 2023-02-22. Review status: criteria provided, single submitter. Criteria: Invitae Variant Classification Sherloc (09022015). Collection method: clinical testing. Allele origin: germline.
Comment: For these reasons, this variant has been classified as Pathogenic. This variant is not present in population databases (gnomAD no frequency). This variant has not been reported in the literature in individuals affected with PMP22-related conditions. This variant disrupts a region of the PMP22 protein in which other variant(s) (p.Leu145Argfs*10) have been determined to be pathogenic (PMID: 21149811, 21252112, 23965407). This suggests that this is a clinically significant region of the protein, and that variants that disrupt it are likely to be disease-causing. This sequence change creates a premature translational stop signal (p.Tyr132*) in the PMP22 gene. While this is not anticipated to result in nonsense mediated decay, it is expected to disrupt the last 29 amino acid(s) of the PMP22 protein.

Literature cited by the submitters: PubMed 21149811; PubMed 21252112; PubMed 23965407.

NM_000304.4(PMP22):c.396del (p.Ser131_Tyr132insTer)

Gene: PMP22 (peripheral myelin protein 22; minus strand). Cytogenetic location: 17p12.
Variant type: Deletion.
Coding change: c.396del on transcript NM_000304.4 (MANE Select); coding-DNA position 396, one base deleted (C; older notation c.396delC).
Protein change: p.Ser131_Tyr132insTer.
Molecular consequence: nonsense. On other transcripts: non-coding transcript variant (2).
Genome position (GRCh38, 1-based): chr17:15,231,004, G deleted on the plus strand (C on the coding strand, the reverse complement: PMP22 is on the minus strand). VCF-style (leftmost placement, unchanged base first): chr17-15231003-CG-C. GRCh37 (hg19) VCF-style: chr17-15134320-CG-C.
Other names: c.396del, p.Ser131_Tyr132insTer (NM_001281455.2, NM_001281456.2, NM_153321.3 and 1 more transcripts).
Identifiers: ClinVar variation 2839878 (VCV002839878.3), dbSNP rs2508024645, ClinGen allele CA2739267166.
Genomic context (GRCh38, chr17:15,231,003, plus strand): 5'-AGATGACACCGCTGAGAAGGGCCAGGGGGAAGGCCACCCAGGCCAGGATGTAGGCGAAAC[CG>C]TAGGAGTAATCCGAGTTGAGATGCCACTCCGGGTGCCTCACCGTGTAGATGGCCGCAGCA-3'